The following is an entry in ClinVar:

NM_002076.4(GNS):c.49C>T (p.Arg17Cys)

Gene: GNS (glucosamine (N-acetyl)-6-sulfatase; minus strand). Cytogenetic location: 12q14.3.
Variant type: single nucleotide variant.
Coding change: c.49C>T on transcript NM_002076.4 (MANE Select); coding-DNA position 49, C replaced by T.
Protein change: p.Arg17Cys; replaces arginine 17 with cysteine.
Molecular consequence: missense variant.
Genome position (GRCh38, 1-based): chr12:64,759,228, G>A on the plus strand (C>T on the coding strand, the complement: GNS is on the minus strand). VCF-style: chr12-64759228-G-A. GRCh37 (hg19) VCF-style: chr12-65153008-G-A.
Other names: p.Arg17Cys; c.49C>T (NM_002076.3); short protein forms R17C.
Identifiers: ClinVar variation 1199376 (VCV001199376.9), dbSNP rs574024349, ClinGen allele CA6670052.

ClinVar aggregate classification (germline): Uncertain significance. Review status: criteria provided, multiple submitters, no conflicts (2 of 4 stars). 5 submissions from 5 submitters: Uncertain significance (5). Last evaluated 2026-09-02.

Conditions:
Mucopolysaccharidosis, MPS-III-D (MPS3D). Also called: MUCOPOLYSACCHARIDOSIS, TYPE IIID; MPS III D; Mucopoly-saccharidosis type 3D; N-acetylglucosamine-6-sulfate sulfatase deficiency; MPS 3D; N-ACETYLGLUCOSAMINE-6-SULFATASE DEFICIENCY. Identifiers: Orphanet 581, Orphanet 79272, MedGen C0086650, MONDO:0009658, OMIM 252940.
Inborn genetic diseases. Identifiers: MedGen C0950123, MeSH D030342.

Allele frequency attached by ClinVar (database versions not stated): gnomAD 0.00010 and 0.00011; TOPMed 0.00013; 1000 Genomes Project 0.00020; 1000 Genomes Project 30x 0.00031.
gnomAD v4.1: 80 of 1,545,172 alleles (0.0052%); highest among the groups gnomAD compares: Non-Finnish European, 0.0064%; no homozygotes.

Submissions (5):

Ambry Genetics
Classification: Uncertain significance for Inborn genetic diseases. Last evaluated: 2026-09-02. Review status: criteria provided, single submitter. Criteria: Ambry Variant Classification Scheme 2023. Collection method: clinical testing. Allele origin: germline.
Comment: The c.49C>T (p.R17C) alteration is located in exon 1 (coding exon 1) of the GNS gene. This alteration results from a C to T substitution at nucleotide position 49, causing the arginine (R) at amino acid position 17 to be replaced by a cysteine (C). Based on data from gnomAD, the T allele has an overall frequency of 0.006% (10/176700) total alleles studied. The highest observed frequency was 0.019% (1/5266) of Other alleles. Based on insufficient or conflicting evidence, the clinical significance of this alteration remains unclear.

Mayo Clinic Laboratories, Mayo Clinic
Classification: Uncertain significance. Last evaluated: 2024-03-28. Review status: criteria provided, single submitter. Criteria: ACMG Guidelines, 2015. Collection method: clinical testing. Allele origin: germline. Observed: 1 variant allele.
Comment: PM2

Labcorp Genetics (formerly Invitae), Labcorp
Classification: Uncertain significance for Mucopolysaccharidosis, MPS-III-D. Last evaluated: 2022-09-06. Review status: criteria provided, single submitter. Criteria: Invitae Variant Classification Sherloc (09022015). Collection method: clinical testing. Allele origin: germline.
Comment: This sequence change replaces arginine, which is basic and polar, with cysteine, which is neutral and slightly polar, at codon 17 of the GNS protein (p.Arg17Cys). This variant is present in population databases (rs574024349, gnomAD 0.01%). This variant has not been reported in the literature in individuals affected with GNS-related conditions. ClinVar contains an entry for this variant (Variation ID: 1199376). Algorithms developed to predict the effect of missense changes on protein structure and function are either unavailable or do not agree on the potential impact of this missense change (SIFT: "Deleterious"; PolyPhen-2: "Not Available"; Align-GVGD: "Class C0"). In summary, the available evidence is currently insufficient to determine the role of this variant in disease. Therefore, it has been classified as a Variant of Uncertain Significance.

Genome-Nilou Lab
Classification: Uncertain significance for Mucopolysaccharidosis, MPS-III-D. Last evaluated: 2021-07-14. Review status: criteria provided, single submitter. Criteria: ACMG Guidelines, 2015. Collection method: clinical testing. Allele origin: germline. Affected: no.

Breakthrough Genomics
Classification: Uncertain significance. Review status: criteria provided, single submitter. Criteria: ACMG Guidelines, 2015. Collection method: not provided. Allele origin: germline. Inheritance: Autosomal recessive inheritance. Affected: yes.